The following is an entry in ClinVar:

NM_000264.5(PTCH1):c.1348-1G>A

Gene: PTCH1 (patched 1; minus strand). Cytogenetic location: 9q22.32.
Variant type: single nucleotide variant.
Coding change: c.1348-1G>A on transcript NM_000264.5 (MANE Select); the canonical splice acceptor site of the intron before coding-DNA position 1348, G replaced by A.
Molecular consequence: splice acceptor variant. On other transcripts: intron variant (1).
Genome position (GRCh38, 1-based): chr9:95,477,703, C>T on the plus strand (G>A on the coding strand, the complement: PTCH1 is on the minus strand). VCF-style: chr9-95477703-C-T. GRCh37 (hg19) VCF-style: chr9-98239985-C-T.
Other names: c.1345-1G>A (NM_001083603.3); c.1150-1G>A (NM_001083602.3); c.1347+352G>A (NM_001354918.2); c.895-1G>A (NM_001083605.3, NM_001083604.3, NM_001083606.3 and 1 more transcripts).
Identifiers: ClinVar variation 986336 (VCV000986336.4), dbSNP rs1841170844, ClinGen allele CA374118689.

ClinVar aggregate classification (germline): Pathogenic. Review status: criteria provided, multiple submitters, no conflicts (2 of 4 stars). 2 submissions from 2 submitters: Pathogenic (2). Last evaluated 2023-08-20.

Conditions:
Gorlin syndrome. Also called: Nevoid Basal Cell Carcinoma Syndrome; Basal cell nevus syndrome. Identifiers: Orphanet 377, MedGen C0004779, MONDO:0007187.

Submissions (2):

Labcorp Genetics (formerly Invitae), Labcorp
Classification: Pathogenic for Gorlin syndrome. Last evaluated: 2023-08-20. Review status: criteria provided, single submitter. Criteria: Invitae Variant Classification Sherloc (09022015). Collection method: clinical testing. Allele origin: germline.
Comment: This variant is not present in population databases (gnomAD no frequency). Disruption of this splice site has been observed in individuals with nevoid basal cell carcinoma syndrome (NBCCS) (PMID: 22952776, 29277811). It has also been observed to segregate with disease in related individuals. ClinVar contains an entry for this variant (Variation ID: 986336). Algorithms developed to predict the effect of sequence changes on RNA splicing suggest that this variant may disrupt the consensus splice site. For these reasons, this variant has been classified as Pathogenic. This sequence change affects an acceptor splice site in intron 9 of the PTCH1 gene. It is expected to disrupt RNA splicing. Variants that disrupt the donor or acceptor splice site typically lead to a loss of protein function (PMID: 16199547), and loss-of-function variants in PTCH1 are known to be pathogenic (PMID: 16301862, 16419085).

Rady Children's Institute for Genomic Medicine, Rady Children's Hospital San Diego
Classification: Pathogenic for BASAL CELL NEVUS SYNDROME. Last evaluated: 2019-06-04. Review status: criteria provided, single submitter. Criteria: ACMG Guidelines, 2015. Collection method: clinical testing. Allele origin: germline. Affected: yes.
Comment: This variant affects the canonical splice acceptor site of intron 9 of 23, and is therefore predicted to interfere with splicing and result in loss of normal protein function. This variant has not been previously reported or functionally characterized in the literature to our knowledge. Other variants at the same splice acceptor site have been reported in affected individuals (PMID: 29575684, 18502968). The c.1348-1G>A variant is absent from the ExAC and gnomAD population databases and thus is presumed to be rare. Multiple splice prediction tools suggest this variant is likely to interfere with normal splicing. Based on the available evidence, the c.1348-1G>A variant is classified as Pathogenic.

Literature cited by the submitters: PubMed 22952776 (cited by Labcorp Genetics (formerly Invitae), Labcorp); PubMed 29277811 (cited by Labcorp Genetics (formerly Invitae), Labcorp); PubMed 16199547 (cited by Labcorp Genetics (formerly Invitae), Labcorp); PubMed 16301862 (cited by Labcorp Genetics (formerly Invitae), Labcorp); PubMed 16419085 (cited by Labcorp Genetics (formerly Invitae), Labcorp).